The following is an entry in ClinVar:

NM_004655.4(AXIN2):c.1500C>G (p.Leu500=)

Gene: AXIN2 (axin 2; minus strand). Cytogenetic location: 17q24.1.
Variant type: single nucleotide variant.
Coding change: c.1500C>G on transcript NM_004655.4 (MANE Select); coding-DNA position 1500, C replaced by G.
Protein change: p.Leu500=; no amino-acid change (leucine 500 retained).
Molecular consequence: synonymous variant.
Genome position (GRCh38, 1-based): chr17:65,537,536, G>C on the plus strand (C>G on the coding strand, the complement: AXIN2 is on the minus strand). VCF-style: chr17-65537536-G-C. GRCh37 (hg19) VCF-style: chr17-63533654-G-C.
Other names: c.1500C>G, p.Leu500= (NM_001363813.1).
Identifiers: ClinVar variation 3378997 (VCV003378997.1).

ClinVar aggregate classification (germline): Benign (1 of 4 stars; one submission).

Conditions:
Oligodontia-cancer predisposition syndrome. Also called: TOOTH AGENESIS-COLORECTAL CANCER SYNDROME. Identifiers: Orphanet 300576, MedGen C1837750, MONDO:0012075, OMIM 608615. Disease mechanism: loss of function.

Submission:

Myriad Genetics, Inc.
Classification: Benign for Oligodontia-cancer predisposition syndrome. Last evaluated: 2024-07-03. Review status: criteria provided, single submitter. Criteria: Myriad Autosomal Dominant, Autosomal Recessive and X-Linked Classification Criteria (2023). Collection method: clinical testing. Allele origin: unknown.
Comment: This variant is considered benign. This variant is a silent/synonymous amino acid change and it is not expected to impact splicing.